The following is an entry in ClinVar:

ClinVar aggregate classification (germline): Uncertain significance. Review status: criteria provided, multiple submitters, no conflicts (2 of 4 stars). 3 submissions from 3 submitters: Uncertain significance (3). Last evaluated 2024-01-29.

Conditions:
Inborn genetic diseases. Identifiers: MedGen C0950123, MeSH D030342.

Allele frequency attached by ClinVar (database versions not stated): gnomAD exomes below 0.00001; ExAC 0.00003; TOPMed 0.00005; gnomAD 0.00011; 1000 Genomes Project 30x 0.00031; 1000 Genomes Project 0.00040.
gnomAD v4.1: 24 of 1,614,006 alleles (0.0015%); highest among the groups gnomAD compares: African/African-American, 0.024%; no homozygotes.

Submissions (3):

Ambry Genetics
Classification: Uncertain significance for Inborn genetic diseases. Last evaluated: 2024-01-29. Review status: criteria provided, single submitter. Criteria: Ambry Variant Classification Scheme 2023. Collection method: clinical testing. Allele origin: germline.

Blueprint Genetics
Classification: Uncertain significance. Last evaluated: 2023-12-08. Review status: criteria provided, single submitter. Criteria: ACMG Guidelines, 2015. Collection method: clinical testing. Allele origin: germline.

Labcorp Genetics (formerly Invitae), Labcorp
Classification: Uncertain significance. Last evaluated: 2023-11-27. Review status: criteria provided, single submitter. Criteria: Invitae Variant Classification Sherloc (09022015). Collection method: clinical testing. Allele origin: germline.
Comment: This sequence change replaces isoleucine, which is neutral and non-polar, with leucine, which is neutral and non-polar, at codon 468 of the CNGA3 protein (p.Ile468Leu). This variant is present in population databases (rs553056613, gnomAD 0.03%). This variant has not been reported in the literature in individuals affected with CNGA3-related conditions. ClinVar contains an entry for this variant (Variation ID: 1912522). Advanced modeling of protein sequence and biophysical properties (such as structural, functional, and spatial information, amino acid conservation, physicochemical variation, residue mobility, and thermodynamic stability) performed at Invitae indicates that this missense variant is expected to disrupt CNGA3 protein function with a positive predictive value of 95%. In summary, the available evidence is currently insufficient to determine the role of this variant in disease. Therefore, it has been classified as a Variant of Uncertain Significance.

NM_001298.3(CNGA3):c.1402A>C (p.Ile468Leu)

Gene: CNGA3 (cyclic nucleotide gated channel subunit alpha 3; plus strand). Cytogenetic location: 2q11.2.
Variant type: single nucleotide variant.
Coding change: c.1402A>C on transcript NM_001298.3 (MANE Select); coding-DNA position 1402, A replaced by C.
Protein change: p.Ile468Leu; replaces isoleucine 468 with leucine.
Molecular consequence: missense variant.
Genome position (GRCh38, 1-based): chr2:98,396,572, A>C. VCF-style: chr2-98396572-A-C. GRCh37 (hg19) VCF-style: chr2-99013035-A-C.
Other names: c.1402A>C (NM_001298.2); c.1348A>C, p.Ile450Leu (NM_001079878.2); short protein forms I468L, I450L.
Identifiers: ClinVar variation 1912522 (VCV001912522.5), dbSNP rs553056613, ClinGen allele CA1793999.